The following is an entry in ClinVar:

ClinVar aggregate classification (germline): Likely pathogenic (1 of 4 stars; one submission).

Conditions:
3MC syndrome 1. Also called: MICHELS SYNDROME; CRANIOSYNOSTOSIS WITH LID ANOMALIES; OCULOPALATOSKELETAL SYNDROME. Identifiers: Orphanet 293843, MedGen C0796059, MONDO:0009770, OMIM 257920.

Submission:

3billion
Classification: Likely pathogenic for 3MC syndrome 1. Last evaluated: 2026-01-11. Review status: criteria provided, single submitter. Criteria: ACMG Guidelines, 2015. Collection method: clinical testing. Allele origin: germline. Affected: yes.
Comment: The variant is observed at an extremely low frequency in the gnomAD v4.1.0 dataset (total allele frequency: <0.001%). Predicted Consequence/Location: Stop-gained (nonsense): predicted to result in a loss or disruption of normal protein function through protein truncation. The predicted truncated protein may be shortened by more than 10%. Therefore, this variant is classified as Likely pathogenic according to the recommendation of ACMG/AMP guideline.

NM_139125.4(MASP1):c.1473G>A (p.Trp491Ter)

Gene: MASP1 (MBL associated serine protease 1; minus strand). Cytogenetic location: 3q27.3.
Variant type: single nucleotide variant.
Coding change: c.1473G>A on transcript NM_139125.4 (MANE Select); coding-DNA position 1473, G replaced by A.
Protein change: p.Trp491Ter; replaces tryptophan 491 with a stop codon.
Molecular consequence: nonsense. On other transcripts: non-coding transcript variant (1), intron variant (1).
Genome position (GRCh38, 1-based): chr3:187,236,398, C>T on the plus strand (G>A on the coding strand, the complement: MASP1 is on the minus strand). VCF-style: chr3-187236398-C-T. GRCh37 (hg19) VCF-style: chr3-186954186-C-T.
Other names: c.1303+5083G>A (NM_001879.6); short protein forms W491*.
Identifiers: ClinVar variation 4854830 (VCV004854830.1).
Genomic context (GRCh38, chr3:187,236,398, plus strand): 5'-GACTGGTATCACCGTGGTGTCTCTACGCTGGGAGCGCAGCACATGAGCTGCTGTGAGGAT[C>T]CAGGACGCAGAGAGCAGGGCCCCACTCCCAAACCACTTGTCATTTGGCACTCTCGAAGTG-3'